The following is an entry in ClinVar:

ClinVar aggregate classification (germline): Benign. Review status: criteria provided, multiple submitters, no conflicts (2 of 4 stars). 6 submissions from 6 submitters: Benign (6). Last evaluated 2026-02-01.

Conditions:
Immunodeficiency, common variable, 1. Also called: ANTIBODY DEFICIENCY DUE TO ICOS DEFECT. Identifiers: Orphanet 1572, Orphanet 695183, MedGen C3149378, MONDO:0011864, OMIM 607594.

Allele frequency attached by ClinVar (database versions not stated): ExAC 0.00636; 1000 Genomes Project 0.02037; TOPMed 0.02332; gnomAD 0.02252 and 0.02082; 1000 Genomes Project 30x 0.02092; ESP Exome Variant Server 0.02568.
gnomAD v4.1: 6,261 of 1,613,738 alleles (0.39%); highest among the groups gnomAD compares: African/African-American, 7.4%; 223 homozygotes.

Submissions (6):

Labcorp Genetics (formerly Invitae), Labcorp
Classification: Benign for Immunodeficiency, common variable, 1. Last evaluated: 2026-02-01. Review status: criteria provided, single submitter. Criteria: Invitae Variant Classification Sherloc (09022015). Collection method: clinical testing. Allele origin: germline.

Women's Health and Genetics/Laboratory Corporation of America, LabCorp
Classification: Benign. Last evaluated: 2026-01-22. Review status: criteria provided, single submitter. Criteria: LabCorp Variant Classification Summary - May 2015. Collection method: clinical testing. Allele origin: germline.

ARUP Laboratories, Molecular Genetics and Genomics, ARUP Laboratories
Classification: Benign for Immunodeficiency, common variable, 1. Last evaluated: 2025-05-23. Review status: criteria provided, single submitter. Criteria: ARUP Molecular Germline Variant Investigation Process 2024. Collection method: clinical testing. Allele origin: germline.

Mayo Clinic Laboratories, Mayo Clinic
Classification: Benign. Last evaluated: 2022-08-05. Review status: criteria provided, single submitter. Criteria: ACMG Guidelines, 2015. Collection method: clinical testing. Allele origin: germline. Observed: 4 variant alleles.

Illumina Laboratory Services, Illumina
Classification: Benign for Immunodeficiency, common variable, 1. Last evaluated: 2018-01-12. Review status: criteria provided, single submitter. Criteria: ICSL Variant Classification Criteria 13 December 2019. Collection method: clinical testing. Allele origin: germline.
Comment: This variant was observed in the ICSL laboratory as part of a predisposition screen in an ostensibly healthy population. It had not been previously curated by ICSL or reported in the Human Gene Mutation Database (HGMD: prior to June 1st, 2018), and was therefore a candidate for classification through an automated scoring system. Utilizing variant allele frequency, disease prevalence and penetrance estimates, and inheritance mode, an automated score was calculated to assess if this variant is too frequent to cause the disease. Based on the score and internal cut-off values, a variant classified as benign is not then subjected to further curation. The score for this variant resulted in a classification of benign for this disease.

Breakthrough Genomics
Classification: Benign. Review status: criteria provided, single submitter. Criteria: ACMG Guidelines, 2015. Collection method: not provided. Allele origin: germline. Inheritance: Autosomal recessive inheritance. Affected: yes.

NM_012092.4(ICOS):c.150A>G (p.Gln50=)

Gene: ICOS (inducible T cell costimulator; plus strand). Cytogenetic location: 2q33.2.
Variant type: single nucleotide variant.
Coding change: c.150A>G on transcript NM_012092.4 (MANE Select); coding-DNA position 150, A replaced by G.
Protein change: p.Gln50=; no amino-acid change (glutamine 50 retained).
Molecular consequence: synonymous variant.
Genome position (GRCh38, 1-based): chr2:203,955,727, A>G. VCF-style: chr2-203955727-A-G. GRCh37 (hg19) VCF-style: chr2-204820450-A-G.
Other names: p.Gln50=.
Identifiers: ClinVar variation 333733 (VCV000333733.28), dbSNP rs55972840, ClinGen allele CA2067228.